The following is an entry in ClinVar:

NM_001853.4(COL9A3):c.904A>G (p.Met302Val)

Gene: COL9A3 (collagen type IX alpha 3 chain; plus strand). Cytogenetic location: 20q13.33.
Variant type: single nucleotide variant.
Coding change: c.904A>G on transcript NM_001853.4 (MANE Select); coding-DNA position 904, A replaced by G.
Protein change: p.Met302Val; replaces methionine 302 with valine.
Molecular consequence: missense variant.
Genome position (GRCh38, 1-based): chr20:62,828,767, A>G. VCF-style: chr20-62828767-A-G. GRCh37 (hg19) VCF-style: chr20-61460119-A-G.
Other names: c.904A>G (NM_001853.3); short protein forms M302V.
Identifiers: ClinVar variation 2196218 (VCV002196218.5), dbSNP rs747551645, ClinGen allele CA9949607.

ClinVar aggregate classification (germline): Uncertain significance. Review status: criteria provided, multiple submitters, no conflicts (2 of 4 stars). 2 submissions from 2 submitters: Uncertain significance (2). Last evaluated 2026-07-23.

Conditions:
COL9A3-related disorder. Also called: COL9A3-related condition.

Allele frequency attached by ClinVar (database versions not stated): TOPMed below 0.00001; gnomAD 0.00001; gnomAD exomes 0.00001; ExAC 0.00004; 1000 Genomes Project 30x 0.00031.
gnomAD v4.1: 17 of 1,612,804 alleles (0.0011%); highest among the groups gnomAD compares: Admixed American, 0.012%; no homozygotes.

Submissions (2):

PreventionGenetics, part of Exact Sciences
Classification: Uncertain significance for COL9A3-related condition. Last evaluated: 2026-07-23. Review status: criteria provided, single submitter. Criteria: ACMG Guidelines, 2015. Collection method: clinical testing. Allele origin: germline.
Comment: The COL9A3 c.904A>G variant is predicted to result in the amino acid substitution p.Met302Val. To our knowledge, this variant has not been reported in the literature. This variant is reported in 0.014% of alleles in individuals of Latino descent in gnomAD. At this time, the clinical significance of this variant is uncertain due to the absence of conclusive functional and genetic evidence.

Labcorp Genetics (formerly Invitae), Labcorp
Classification: Uncertain significance. Last evaluated: 2023-07-25. Review status: criteria provided, single submitter. Criteria: Invitae Variant Classification Sherloc (09022015). Collection method: clinical testing. Allele origin: germline.
Comment: This sequence change replaces methionine, which is neutral and non-polar, with valine, which is neutral and non-polar, at codon 302 of the COL9A3 protein (p.Met302Val). This variant is present in population databases (rs747551645, gnomAD 0.01%). This variant has not been reported in the literature in individuals affected with COL9A3-related conditions. ClinVar contains an entry for this variant (Variation ID: 2196218). Advanced modeling of protein sequence and biophysical properties (such as structural, functional, and spatial information, amino acid conservation, physicochemical variation, residue mobility, and thermodynamic stability) performed at Invitae indicates that this missense variant is not expected to disrupt COL9A3 protein function. In summary, the available evidence is currently insufficient to determine the role of this variant in disease. Therefore, it has been classified as a Variant of Uncertain Significance.